The following is an entry in ClinVar:

NM_006231.4(POLE):c.42C>A (p.Gly14=)

Genes: POLE (DNA polymerase epsilon, catalytic subunit; minus strand), LOC130009266 (ATAC-STARR-seq lymphoblastoid silent region 5123; plus strand). Cytogenetic location: 12q24.33.
Variant type: single nucleotide variant.
Coding change: c.42C>A on transcript NM_006231.4 (MANE Select); coding-DNA position 42, C replaced by A.
Protein change: p.Gly14=; no amino-acid change (glycine 14 retained).
Molecular consequence: synonymous variant.
Genome position (GRCh38, 1-based): chr12:132,687,274, G>T on the plus strand (C>A on the coding strand, the complement: POLE is on the minus strand). VCF-style: chr12-132687274-G-T. GRCh37 (hg19) VCF-style: chr12-133263860-G-T.
Identifiers: ClinVar variation 390063 (VCV000390063.17), dbSNP rs934764678, ClinGen allele CA16606214.

ClinVar aggregate classification (germline): Likely benign. Review status: criteria provided, multiple submitters, no conflicts (2 of 4 stars). 3 submissions from 3 submitters: Likely benign (3). Last evaluated 2026-07-03.

Conditions:
Hereditary cancer-predisposing syndrome. Also called: Neoplastic Syndromes, Hereditary; Hereditary Cancer Syndrome; Tumor predisposition; Hereditary neoplastic syndrome. Identifiers: Orphanet 140162, MedGen C0027672, MeSH D009386, MONDO:0015356.

Allele frequency attached by ClinVar (database versions not stated): TOPMed 0.00003; gnomAD 0.00001.
gnomAD v4.1: 145 of 1,501,268 alleles (0.0097%); highest among the groups gnomAD compares: Non-Finnish European, 0.013%; no homozygotes.

Submissions (3):

Ambry Genetics
Classification: Likely benign for Hereditary cancer-predisposing syndrome. Last evaluated: 2026-07-03. Review status: criteria provided, single submitter. Criteria: Ambry Variant Classification Scheme 2023. Collection method: clinical testing. Allele origin: germline.

Labcorp Genetics (formerly Invitae), Labcorp
Classification: Likely benign. Last evaluated: 2026-02-03. Review status: criteria provided, single submitter. Criteria: Invitae Variant Classification Sherloc (09022015). Collection method: clinical testing. Allele origin: germline.

GeneDx
Classification: Likely benign. Last evaluated: 2017-08-03. Review status: criteria provided, single submitter. Criteria: GeneDx Variant Classification (06012015). Collection method: clinical testing. Allele origin: germline. Affected: yes.
Comment: This variant is considered likely benign or benign based on one or more of the following criteria: it is a conservative change, it occurs at a poorly conserved position in the protein, it is predicted to be benign by multiple in silico algorithms, and/or has population frequency not consistent with disease.